The following is an entry in ClinVar:

NM_173660.5(DOK7):c.-5AGA[1] (p.Met1del)

Gene: DOK7 (docking protein 7; plus strand). Cytogenetic location: 4p16.3.
Variant type: Microsatellite.
Coding change: c.-5AGA[1] on transcript NM_173660.5 (MANE Select); one copy of the 3-base unit AGA starting at c.-5; the reference has two copies in a row; one copy, 3 bases deleted.
Protein change: p.Met1del; deletes methionine 1.
Molecular consequence: inframe deletion, initiator codon variant.
Genome position (GRCh38, 1-based): chr4:3,463,374-3,463,376, AGA deleted; deleting any 3 consecutive bases within chr4:3,463,371-3,463,376 gives the same sequence; the position shown is the placement nearest the transcript's 3' end. VCF-style (leftmost placement, unchanged base first): chr4-3463370-CAGA-C. GRCh37 (hg19) VCF-style: chr4-3465097-CAGA-C.
Other names: c.-5AGA[1], p.Met1del (NM_001164673.2, NM_001301071.2, NM_001363811.2); c.-2_1delAGA (NM_173660.5); short protein forms M1del.
Identifiers: ClinVar variation 3336041 (VCV003336041.1).
Genomic context (GRCh38, chr4:3,463,370, plus strand): 5'-TATTTTGAAAGTGACCCTGGGCTGGGGCGCCGGGGCGAGCGCGGCGGCGCGGAACCATGA[CAGA>C]AGATGACCGAGGCGGCGCTGGTGGAGGGCCAGGTCAAGCTGCGGGACGGCAAGAAGGTCG-3'

ClinVar aggregate classification (germline): Uncertain significance (1 of 4 stars; one submission).

Submission:

Women's Health and Genetics/Laboratory Corporation of America, LabCorp
Classification: Uncertain significance. Last evaluated: 2024-05-10. Review status: criteria provided, single submitter. Criteria: LabCorp Variant Classification Summary - May 2015. Collection method: clinical testing. Allele origin: germline.
Comment: Variant summary: DOK7 c.-2_1delAGA (p.M1?) alters the initiation codon and is predicted to result either in absence of the protein or truncation of the encoded protein due to translation initiation at a downstream codon. The next downstream methione is at codon 38. The variant was absent in 1483332 control chromosomes. The available data on variant occurrences in the general population are insufficient to allow any conclusion about variant significance. To our knowledge, no occurrence of c.-2_1delAGA in individuals affected with Congenital Myasthenic Syndrome and no experimental evidence demonstrating its impact on protein function have been reported. No submitters have cited clinical-significance assessments for this variant to ClinVar. Based on the evidence outlined above, the variant was classified as uncertain significance.